The following is an entry in ClinVar:

NM_007009.3(ZPBP):c.312G>A (p.Gly104=)

Gene: ZPBP (zona pellucida binding protein; minus strand). Cytogenetic location: 7p12.2.
Variant type: single nucleotide variant.
Coding change: c.312G>A on transcript NM_007009.3 (MANE Select); coding-DNA position 312, G replaced by A.
Protein change: p.Gly104=; no amino-acid change (glycine 104 retained).
Molecular consequence: synonymous variant.
Genome position (GRCh38, 1-based): chr7:50,081,796, C>T on the plus strand (G>A on the coding strand, the complement: ZPBP is on the minus strand). VCF-style: chr7-50081796-C-T. GRCh37 (hg19) VCF-style: chr7-50121392-C-T.
Other names: c.312G>A, p.Gly104= (NM_001159878.2).
Identifiers: ClinVar variation 3039398 (VCV003039398.2), dbSNP rs79915261, ClinGen allele CA4260860.

ClinVar aggregate classification (germline): Likely benign (0 of 4 stars; one submission).

Conditions:
ZPBP-related disorder. Also called: ZPBP-related condition.

Allele frequency attached by ClinVar (database versions not stated): gnomAD exomes 0.00043; ExAC 0.00131; gnomAD 0.00460; 1000 Genomes Project 0.00479; ESP Exome Variant Server 0.00507; TOPMed 0.00519; 1000 Genomes Project 30x 0.00578.
gnomAD v4.1: 1,343 of 1,611,294 alleles (0.083%); highest among the groups gnomAD compares: African/African-American, 1.6%; 5 homozygotes.

Submission:

PreventionGenetics, part of Exact Sciences
Classification: Likely benign for ZPBP-related condition. Last evaluated: 2019-03-25. Review status: no assertion criteria provided. Collection method: clinical testing. Allele origin: germline.
Comment: This variant is classified as likely benign based on ACMG/AMP sequence variant interpretation guidelines (Richards et al. 2015 PMID: 25741868, with internal and published modifications).